The following is an entry in ClinVar:

NM_000135.4(FANCA):c.1867C>T (p.Gln623Ter)

Gene: FANCA (FA complementation group A; minus strand). Cytogenetic location: 16q24.3.
Variant type: single nucleotide variant.
Coding change: c.1867C>T on transcript NM_000135.4 (MANE Select); coding-DNA position 1867, C replaced by T.
Protein change: p.Gln623Ter; replaces glutamine 623 with a stop codon.
Molecular consequence: nonsense.
Genome position (GRCh38, 1-based): chr16:89,775,775, G>A on the plus strand (C>T on the coding strand, the complement: FANCA is on the minus strand). VCF-style: chr16-89775775-G-A. GRCh37 (hg19) VCF-style: chr16-89842183-G-A.
Other names: c.1867C>T, p.Gln623Ter (NM_001286167.3); c.1867C>T (NM_000135.3); short protein forms Q623*.
Identifiers: ClinVar variation 1973620 (VCV001973620.6), dbSNP rs2544213873, ClinGen allele CA397451900.

ClinVar aggregate classification (germline): Pathogenic. Review status: criteria provided, multiple submitters, no conflicts (2 of 4 stars). 2 submissions from 2 submitters: Pathogenic (2). Last evaluated 2024-04-20.

Conditions:
Fanconi anemia (FA). Also called: Fanconi's anemia. Identifiers: Orphanet 84, MedGen C0015625, MeSH D005199, MONDO:0019391.

Allele frequency attached by ClinVar (database versions not stated): gnomAD exomes below 0.00001.
gnomAD v4.1: 1 of 1,612,928 alleles (0.000062%); highest among the groups gnomAD compares: Non-Finnish European, 0.000085%; no homozygotes.

Submissions (2):

Natera, Inc.
Classification: Pathogenic for Fanconi anemia. Last evaluated: 2024-04-20. Review status: criteria provided, single submitter. Criteria: Natera Variant Classification Schema (03/2026). Collection method: clinical testing. Allele origin: germline.
Comment: The c.1867C>T variant in FANCA is a nonsense variant predicted to introduce a stop codon at amino acid 623. This variant is expected to result in nonsense mediated decay, truncation, or a dysfunctional protein product. This variant is rare in the general population with a frequency below the threshold expected for the associated phenotype(s). This variant has been observed in one or more individuals affected with the associated recessive disease, as either homozygous or compound heterozygous with a second variant (PMID: 32487094). Given the available evidence, this variant is classified as Pathogenic.

Labcorp Genetics (formerly Invitae), Labcorp
Classification: Pathogenic for Fanconi anemia. Last evaluated: 2022-08-28. Review status: criteria provided, single submitter. Criteria: Invitae Variant Classification Sherloc (09022015). Collection method: clinical testing. Allele origin: germline.
Comment: This premature translational stop signal has been observed in individual(s) with clinical features of Fanconi anemia (PMID: 32487094). For these reasons, this variant has been classified as Pathogenic. This variant is not present in population databases (gnomAD no frequency). This sequence change creates a premature translational stop signal (p.Gln623*) in the FANCA gene. It is expected to result in an absent or disrupted protein product. Loss-of-function variants in FANCA are known to be pathogenic (PMID: 19367192).

Literature cited by the submitters: PubMed 32487094 (cited by Natera, Inc. and Labcorp Genetics (formerly Invitae), Labcorp); PubMed 19367192 (cited by Labcorp Genetics (formerly Invitae), Labcorp).